The following is an entry in ClinVar:

ClinVar aggregate classification (germline): Likely benign. Review status: criteria provided, multiple submitters, no conflicts (2 of 4 stars). 8 submissions from 8 submitters: Likely benign (7). 1 of the submissions does not count toward it. Last evaluated 2026-01-13.

Conditions:
Epidermolysis bullosa simplex, Ogna type (EBS5A). Also called: Pidermolysis bullosa simplex 5A, Ogna type; EPIDERMOLYSIS BULLOSA SIMPLEX 5A, OGNA TYPE. Identifiers: Orphanet 79401, MedGen C0432317, MONDO:0007555, OMIM 131950.
Autosomal recessive limb-girdle muscular dystrophy type 2Q (LGMDR17). Also called: MUSCULAR DYSTROPHY, LIMB-GIRDLE, AUTOSOMAL RECESSIVE 17. Identifiers: Orphanet 254361, MedGen C3150989, MONDO:0013390, OMIM 613723.
Epidermolysis bullosa simplex 5B, with muscular dystrophy (EBS5B). Also called: Epidermolysis bullosa simplex with muscular dystrophy; EPIDERMOLYSIS BULLOSA SIMPLEX AND LIMB-GIRDLE MUSCULAR DYSTROPHY. Identifiers: Orphanet 257, MedGen C2931072, MONDO:0009181, OMIM 226670.
Epidermolysis bullosa simplex with nail dystrophy (EBS5D). Identifiers: MedGen C4225309, MONDO:0014661, OMIM 616487.
Epidermolysis bullosa simplex 5C, with pyloric atresia (EBS5C). Also called: PLEC-Related Epidermolysis Bullosa with Pyloric Atresia; Epidermolysis bullosa simplex with pyloric atresia; PLEC1-Related Epidermolysis Bullosa with Pyloric Atresia. Identifiers: Orphanet 158684, MedGen C2677349, MONDO:0012807, OMIM 612138.
PLEC-related disorder. Also called: PLEC-related condition; PLEC-related disorders.

Allele frequency attached by ClinVar (database versions not stated): gnomAD exomes 0.00011 and 0.00028; ExAC 0.00040; ESP Exome Variant Server 0.00094; gnomAD 0.00113 and 0.00114; TOPMed 0.00122; 1000 Genomes Project 0.00200; 1000 Genomes Project 30x 0.00219.
gnomAD v4.1: 342 of 1,612,838 alleles (0.021%); highest among the groups gnomAD compares: African/African-American, 0.4%; 2 homozygotes.

Submissions (8):

Labcorp Genetics (formerly Invitae), Labcorp
Classification: Likely benign for Autosomal recessive limb-girdle muscular dystrophy type 2Q; Epidermolysis bullosa simplex, Ogna type; Epidermolysis bullosa simplex with nail dystrophy; Epidermolysis bullosa simplex 5C, with pyloric atresia; Epidermolysis bullosa simplex 5B, with muscular dystrophy. Last evaluated: 2026-01-13. Review status: criteria provided, single submitter. Criteria: Invitae Variant Classification Sherloc (09022015). Collection method: clinical testing. Allele origin: germline.

Mayo Clinic Laboratories, Mayo Clinic
Classification: Likely benign. Last evaluated: 2025-01-21. Review status: criteria provided, single submitter. Criteria: ACMG Guidelines, 2015. Collection method: clinical testing. Allele origin: germline. Observed: 1 variant allele.
Comment: BS1, BP2, BP4_moderate

Blueprint Genetics
Classification: Likely benign. Last evaluated: 2024-09-20. Review status: criteria provided, single submitter. Criteria: ACMG Guidelines, 2015. Collection method: clinical testing. Allele origin: germline.

CeGaT Center for Human Genetics Tuebingen
Classification: Likely benign. Last evaluated: 2023-07-01. Review status: criteria provided, single submitter. Criteria: CeGaT Center For Human Genetics Tuebingen Variant Classification Criteria Version 2. Collection method: clinical testing. Allele origin: germline. Affected: yes. Observed: 1 variant allele.
Comment: PLEC: BP4, BS2

GeneDx
Classification: Likely benign. Last evaluated: 2019-12-12. Review status: criteria provided, single submitter. Criteria: GeneDx Variant Classification Process June 2021. Collection method: clinical testing. Allele origin: germline. Affected: yes.

Eurofins Ntd Llc (ga)
Classification: Likely benign. Last evaluated: 2017-01-06. Review status: criteria provided, single submitter. Criteria: EGL Classification Definitions 2015. Collection method: clinical testing. Allele origin: germline. Observed: 2 variant alleles, 2 heterozygotes.

Breakthrough Genomics
Classification: Likely benign. Review status: criteria provided, single submitter. Criteria: ACMG Guidelines, 2015. Collection method: not provided. Allele origin: germline. Inheritance: Autosomal recessive inheritance. Affected: yes.

PreventionGenetics, part of Exact Sciences
Classification: Likely benign for PLEC-related condition. Last evaluated: 2020-10-23. Review status: no assertion criteria provided. Collection method: clinical testing. Allele origin: germline. Not counted in ClinVar's aggregate classification.
Comment: This variant is classified as likely benign based on ACMG/AMP sequence variant interpretation guidelines (Richards et al. 2015 PMID: 25741868, with internal and published modifications).

Literature cited by the submitters: PubMed 21263134 (cited by Mayo Clinic Laboratories, Mayo Clinic).

NM_201384.3(PLEC):c.12628G>A (p.Ala4210Thr)

Gene: PLEC (plectin; minus strand). Cytogenetic location: 8q24.3.
Variant type: single nucleotide variant.
Coding change: c.12628G>A on transcript NM_201384.3 (MANE Select); coding-DNA position 12628, G replaced by A.
Protein change: p.Ala4210Thr; replaces alanine 4210 with threonine.
Molecular consequence: missense variant.
Genome position (GRCh38, 1-based): chr8:143,917,193, C>T on the plus strand (G>A on the coding strand, the complement: PLEC is on the minus strand). VCF-style: chr8-143917193-C-T. GRCh37 (hg19) VCF-style: chr8-144991361-C-T.
Other names: p.Ala4237Thr; c.12709G>A, p.Ala4237Thr (NM_000445.5); c.12586G>A, p.Ala4196Thr (NM_201378.4); c.12562G>A, p.Ala4188Thr (NM_201379.3); c.13039G>A, p.Ala4347Thr (NM_201380.4); c.12532G>A, p.Ala4178Thr (NM_201381.3); c.12628G>A, p.Ala4210Thr (NM_201382.4); c.12640G>A, p.Ala4214Thr (NM_201383.3); short protein forms A4214T, A4178T, A4188T, A4196T, A4210T, A4237T, A4347T.
Identifiers: ClinVar variation 471533 (VCV000471533.45), dbSNP rs199941693, ClinGen allele CA4924035.